The following is an entry in ClinVar:

ClinVar aggregate classification (germline): Uncertain significance (1 of 4 stars; one submission).

Submission:

Labcorp Genetics (formerly Invitae), Labcorp
Classification: Uncertain significance. Last evaluated: 2022-07-22. Review status: criteria provided, single submitter. Criteria: Invitae Variant Classification Sherloc (09022015). Collection method: clinical testing. Allele origin: germline.
Comment: In summary, the available evidence is currently insufficient to determine the role of this variant in disease. Therefore, it has been classified as a Variant of Uncertain Significance. Algorithms developed to predict the effect of missense changes on protein structure and function are either unavailable or do not agree on the potential impact of this missense change (SIFT: "Deleterious"; PolyPhen-2: "Probably Damaging"; Align-GVGD: "Class C0"). This variant has not been reported in the literature in individuals affected with SNX10-related conditions. This variant is not present in population databases (gnomAD no frequency). This sequence change replaces threonine, which is neutral and polar, with isoleucine, which is neutral and non-polar, at codon 138 of the SNX10 protein (p.Thr138Ile).

NM_013322.3(SNX10):c.413C>T (p.Thr138Ile)

Gene: SNX10 (sorting nexin 10; plus strand). Cytogenetic location: 7p15.2.
Variant type: single nucleotide variant.
Coding change: c.413C>T on transcript NM_013322.3 (MANE Select); coding-DNA position 413, C replaced by T.
Protein change: p.Thr138Ile; replaces threonine 138 with isoleucine.
Molecular consequence: missense variant.
Genome position (GRCh38, 1-based): chr7:26,371,922, C>T. VCF-style: chr7-26371922-C-T. GRCh37 (hg19) VCF-style: chr7-26411542-C-T.
Other names: c.413C>T, p.Thr138Ile (NM_001199835.1, NM_001318199.3); c.404C>T, p.Thr135Ile (NM_001199837.3); c.161C>T, p.Thr54Ile (NM_001199838.2); c.491C>T, p.Thr164Ile (NM_001318198.1, NM_001362753.1, NM_001362754.1); short protein forms T135I, T138I, T164I, T54I.
Identifiers: ClinVar variation 1719040 (VCV001719040.5), dbSNP rs2536170505, ClinGen allele CA367228716.